The following is an entry in ClinVar:

NM_004519.4(KCNQ3):c.1558C>T (p.Arg520Ter)

Gene: KCNQ3 (potassium voltage-gated channel subfamily Q member 3; minus strand). Cytogenetic location: 8q24.22.
Variant type: single nucleotide variant.
Coding change: c.1558C>T on transcript NM_004519.4 (MANE Select); coding-DNA position 1558, C replaced by T.
Protein change: p.Arg520Ter; replaces arginine 520 with a stop codon.
Molecular consequence: nonsense.
Genome position (GRCh38, 1-based): chr8:132,140,086, G>A on the plus strand (C>T on the coding strand, the complement: KCNQ3 is on the minus strand). VCF-style: chr8-132140086-G-A. GRCh37 (hg19) VCF-style: chr8-133152333-G-A.
Other names: c.1198C>T, p.Arg400Ter (NM_001204824.2); c.1558C>T (NM_004519.3); short protein forms R400*, R520*.
Identifiers: ClinVar variation 1068557 (VCV001068557.10), dbSNP rs1289108911, ClinGen allele CA372219574.

ClinVar aggregate classification (germline): Conflicting classifications of pathogenicity. Review status: criteria provided, conflicting classifications (1 of 4 stars). 3 submissions from 3 submitters: Pathogenic (1); Uncertain significance (2). Last evaluated 2025-12-06.

Conditions:
Benign neonatal seizures. Also called: Benign neonatal familial convulsions; Benign familial neonatal epilepsy; Benign familial neonatal seizures; Convulsions benign familial neonatal dominant form; Autosomal dominant form of benign neonatal seizures. Identifiers: Orphanet 1949, MedGen C0220669, MONDO:0016027.

Allele frequency attached by ClinVar (database versions not stated): gnomAD exomes below 0.00001.

Submissions (3):

GeneDx
Classification: Uncertain significance. Last evaluated: 2025-12-06. Review status: criteria provided, single submitter. Criteria: GeneDx Variant Classification Process June 2021. Collection method: clinical testing. Allele origin: germline. Affected: yes.
Comment: Nonsense variant predicted to result in protein truncation or nonsense mediated decay in a gene for which loss-of-function is not a known mechanism of disease; Not observed at significant frequency in large population cohorts (gnomAD); This variant is associated with the following publications: (PMID: 37429183)

Labcorp Genetics (formerly Invitae), Labcorp
Classification: Pathogenic for Benign neonatal seizures. Last evaluated: 2025-09-08. Review status: criteria provided, single submitter. Criteria: Invitae Variant Classification Sherloc (09022015). Collection method: clinical testing. Allele origin: germline.
Comment: This sequence change creates a premature translational stop signal (p.Arg520*) in the KCNQ3 gene. It is expected to result in an absent or disrupted protein product. Loss-of-function variants in KCNQ3 are known to be pathogenic (PMID: 29383681, 29852413). This variant is present in population databases (no rsID available, gnomAD 0.001%). This variant has not been reported in the literature in individuals affected with KCNQ3-related conditions. ClinVar contains an entry for this variant (Variation ID: 1068557). For these reasons, this variant has been classified as Pathogenic.

Blueprint Genetics
Classification: Uncertain significance. Last evaluated: 2022-10-18. Review status: criteria provided, single submitter. Criteria: ACMG Guidelines, 2015. Collection method: clinical testing. Allele origin: germline.

Literature cited by the submitters: PubMed 29383681 (cited by Labcorp Genetics (formerly Invitae), Labcorp); PubMed 29852413 (cited by Labcorp Genetics (formerly Invitae), Labcorp).